The following is an entry in ClinVar:

ClinVar aggregate classification (germline): Benign/Likely benign. Review status: criteria provided, multiple submitters, no conflicts (2 of 4 stars). 3 submissions from 3 submitters: Benign (1); Likely benign (1). 1 of the submissions does not count toward it. Last evaluated 2024-01-01.

Conditions:
ARHGEF28-related disorder. Also called: ARHGEF28-related condition.

Allele frequency attached by ClinVar (database versions not stated): gnomAD below 0.00001 and 0.00014; TOPMed 0.00002; gnomAD exomes 0.00034 and 0.00065; 1000 Genomes Project 30x 0.00094; 1000 Genomes Project 0.00100; ExAC 0.00115.
gnomAD v4.1: 512 of 1,604,196 alleles (0.032%); highest among the groups gnomAD compares: South Asian, 0.55%; 5 homozygotes.

Submissions (3):

CeGaT Center for Human Genetics Tuebingen
Classification: Likely benign. Last evaluated: 2024-01-01. Review status: criteria provided, single submitter. Criteria: CeGaT Center For Human Genetics Tuebingen Variant Classification Criteria Version 2. Collection method: clinical testing. Allele origin: germline. Affected: yes. Observed: 1 variant allele.
Comment: ARHGEF28: BP4, BP7

Labcorp Genetics (formerly Invitae), Labcorp
Classification: Benign. Last evaluated: 2019-12-31. Review status: criteria provided, single submitter. Criteria: Invitae Variant Classification Sherloc (09022015). Collection method: clinical testing. Allele origin: germline.

PreventionGenetics, part of Exact Sciences
Classification: Likely benign for ARHGEF28-related condition. Last evaluated: 2024-02-07. Review status: no assertion criteria provided. Collection method: clinical testing. Allele origin: germline. Not counted in ClinVar's aggregate classification.
Comment: This variant is classified as likely benign based on ACMG/AMP sequence variant interpretation guidelines (Richards et al. 2015 PMID: 25741868, with internal and published modifications).

NM_001177693.2(ARHGEF28):c.933C>T (p.Ser311=)

Gene: ARHGEF28 (Rho guanine nucleotide exchange factor 28; plus strand). Cytogenetic location: 5q13.2.
Variant type: single nucleotide variant.
Coding change: c.933C>T on transcript NM_001177693.2 (MANE Select); coding-DNA position 933, C replaced by T.
Protein change: p.Ser311=; no amino-acid change (serine 311 retained).
Molecular consequence: synonymous variant.
Genome position (GRCh38, 1-based): chr5:73,794,424, C>T. VCF-style: chr5-73794424-C-T. GRCh37 (hg19) VCF-style: chr5-73090249-C-T.
Other names: c.933C>T, p.Ser311= (NM_001080479.3, NM_001388078.1); c.639C>T, p.Ser213= (NM_001388076.1).
Identifiers: ClinVar variation 736714 (VCV000736714.27), dbSNP rs536597186, ClinGen allele CA3304362.
Genomic context (GRCh38, chr5:73,794,424, plus strand): 5'-CTCCCATCAGCAGATCCTGATAATTATTTCTTTTGCAGAGATTAAGAATTCAGTGTCCAG[C>T]AGATCAGCAGCTGAAAAGGAAGATATAAAGGTAATGAATGACTCCCTGCTTCTTTCTTTG-3'
Protein context (NP_001171164.1, residues 301-321): TEEEIKNSVS[Ser311=]RSAAEKEDIK